The following is an entry in ClinVar:

NM_152564.5(VPS13B):c.4955G>A (p.Arg1652Gln)

Gene: VPS13B (vacuolar protein sorting 13 homolog B; plus strand). Cytogenetic location: 8q22.2.
Variant type: single nucleotide variant.
Coding change: c.4955G>A on transcript NM_152564.5 (MANE Select); coding-DNA position 4955, G replaced by A.
Protein change: p.Arg1652Gln; replaces arginine 1652 with glutamine.
Molecular consequence: missense variant.
Genome position (GRCh38, 1-based): chr8:99,575,663, G>A. VCF-style: chr8-99575663-G-A. GRCh37 (hg19) VCF-style: chr8-100587891-G-A.
Other names: c.4955G>A (NM_152564.4); c.5030G>A, p.Arg1677Gln (NM_017890.5); short protein forms R1652Q.
Identifiers: ClinVar variation 95855 (VCV000095855.27), dbSNP rs138148013, ClinGen allele CA223455.

ClinVar aggregate classification (germline): Uncertain significance. Review status: criteria provided, multiple submitters, no conflicts (2 of 4 stars). 7 submissions from 7 submitters: Uncertain significance (5). 2 of the submissions do not count toward it. Last evaluated 2024-08-05.

Conditions:
VPS13B-related disorder. Also called: VPS13B-related condition.
Cohen syndrome (COH1). Also called: PEPPER SYNDROME; Cutis verticis gyrata, retinitis pigmentosa, and sensorineural deafness. Identifiers: Orphanet 193, MedGen C0265223, MONDO:0008999, OMIM 216550.

Allele frequency attached by ClinVar (database versions not stated): gnomAD 0.00003 and 0.00002; gnomAD exomes 0.00004; ESP Exome Variant Server 0.00008; ExAC 0.00004; 1000 Genomes Project 0.00020; TOPMed 0.00004; 1000 Genomes Project 30x 0.00047.
gnomAD v4.1: 58 of 1,613,656 alleles (0.0036%); highest among the groups gnomAD compares: Non-Finnish European, 0.0044%; no homozygotes.

Submissions (7):

Blueprint Genetics
Classification: Uncertain significance. Last evaluated: 2024-08-05. Review status: criteria provided, single submitter. Criteria: ACMG Guidelines, 2015. Collection method: clinical testing. Allele origin: germline.

Labcorp Genetics (formerly Invitae), Labcorp
Classification: Uncertain significance for Cohen syndrome. Last evaluated: 2022-11-01. Review status: criteria provided, single submitter. Criteria: Invitae Variant Classification Sherloc (09022015). Collection method: clinical testing. Allele origin: germline.
Comment: This sequence change replaces arginine, which is basic and polar, with glutamine, which is neutral and polar, at codon 1677 of the VPS13B protein (p.Arg1677Gln). This variant is present in population databases (rs138148013, gnomAD 0.008%). This variant has not been reported in the literature in individuals affected with VPS13B-related conditions. ClinVar contains an entry for this variant (Variation ID: 95855). Advanced modeling of protein sequence and biophysical properties (such as structural, functional, and spatial information, amino acid conservation, physicochemical variation, residue mobility, and thermodynamic stability) performed at Invitae indicates that this missense variant is not expected to disrupt VPS13B protein function. In summary, the available evidence is currently insufficient to determine the role of this variant in disease. Therefore, it has been classified as a Variant of Uncertain Significance.

Department of Pathology and Laboratory Medicine, Sinai Health System
Classification: Uncertain significance for Cohen syndrome. Last evaluated: 2022-06-21. Review status: criteria provided, single submitter. Criteria: ACMG Guidelines, 2015. Collection method: research. Allele origin: germline.

Illumina Laboratory Services, Illumina
Classification: Uncertain significance for Cohen syndrome. Last evaluated: 2018-01-12. Review status: criteria provided, single submitter. Criteria: ICSL Variant Classification Criteria 13 December 2019. Collection method: clinical testing. Allele origin: germline.

Eurofins Ntd Llc (ga)
Classification: Uncertain significance. Last evaluated: 2012-12-10. Review status: criteria provided, single submitter. Criteria: EGL Classification Definitions 2015. Collection method: clinical testing. Allele origin: germline. Observed: 1 variant allele, 1 heterozygote.

PreventionGenetics, part of Exact Sciences
Classification: Uncertain significance for VPS13B-related condition. Last evaluated: 2024-08-06. Review status: no assertion criteria provided. Collection method: clinical testing. Allele origin: germline. Not counted in ClinVar's aggregate classification.
Comment: The VPS13B c.4955G>A variant is predicted to result in the amino acid substitution p.Arg1652Gln. To our knowledge, this variant has not been reported in the literature. This variant is reported in 0.0080% of alleles in individuals of African descent in gnomAD. At this time, the clinical significance of this variant is uncertain due to the absence of conclusive functional and genetic evidence.

Natera, Inc.
Classification: Uncertain significance for Cohen syndrome. Last evaluated: 2021-03-05. Review status: no assertion criteria provided. Collection method: clinical testing. Allele origin: germline. Not counted in ClinVar's aggregate classification.